The following is an entry in ClinVar:

NM_001127222.2(CACNA1A):c.1520A>G (p.His507Arg)

Gene: CACNA1A (calcium voltage-gated channel subunit alpha1 A; minus strand). Cytogenetic location: 19p13.13.
Variant type: single nucleotide variant.
Coding change: c.1520A>G on transcript NM_001127222.2 (MANE Select); coding-DNA position 1520, A replaced by G.
Protein change: p.His507Arg; replaces histidine 507 with arginine.
Molecular consequence: missense variant.
Genome position (GRCh38, 1-based): chr19:13,317,147, T>C on the plus strand (A>G on the coding strand, the complement: CACNA1A is on the minus strand). VCF-style: chr19-13317147-T-C. GRCh37 (hg19) VCF-style: chr19-13427961-T-C.
Other names: c.1523A>G, p.His508Arg (NM_000068.4, NM_001127221.2, NM_001174080.2 and 1 more transcripts); short protein forms H507R, H508R.
Identifiers: ClinVar variation 2505633 (VCV002505633.2), dbSNP rs2512982742, ClinGen allele CA404345633.

ClinVar aggregate classification (germline): Uncertain significance (1 of 4 stars; one submission).

Submission:

GeneDx
Classification: Uncertain significance. Last evaluated: 2025-05-13. Review status: criteria provided, single submitter. Criteria: GeneDx Variant Classification Process June 2021. Collection method: clinical testing. Allele origin: germline. Affected: yes.
Comment: Not observed at significant frequency in large population cohorts (gnomAD); In silico analysis supports that this missense variant has a deleterious effect on protein structure/function; Has not been previously published as pathogenic or benign to our knowledge